The following is an entry in ClinVar:

NM_005585.5(SMAD6):c.1102C>G (p.Leu368Val)

Gene: SMAD6 (SMAD family member 6; plus strand). Cytogenetic location: 15q22.31.
Variant type: single nucleotide variant.
Coding change: c.1102C>G on transcript NM_005585.5 (MANE Select); coding-DNA position 1102, C replaced by G.
Protein change: p.Leu368Val; replaces leucine 368 with valine.
Molecular consequence: missense variant. On other transcripts: non-coding transcript variant (1).
Genome position (GRCh38, 1-based): chr15:66,781,146, C>G. VCF-style: chr15-66781146-C-G. GRCh37 (hg19) VCF-style: chr15-67073484-C-G.
Other names: short protein forms L368V.
Identifiers: ClinVar variation 471744 (VCV000471744.12), dbSNP rs1555440081, ClinGen allele CA393201867.
Genomic context (GRCh38, chr15:66,781,146, plus strand): 5'-GCGGTGTACGACCAGGCCGTCAGCATCTTCTACGACCTACCTCAGGGCAGCGGCTTCTGC[C>G]TGGGCCAGCTCAACCTGGAGCAGCGCAGCGAGTCGGTGCGGCGAACGCGCAGCAAGATCG-3'
Protein context (NP_005576.3, residues 358-378): YDLPQGSGFC[Leu368Val]GQLNLEQRSE

ClinVar aggregate classification (germline): Uncertain significance. Review status: criteria provided, multiple submitters, no conflicts (2 of 4 stars). 2 submissions from 2 submitters: Uncertain significance (2). Last evaluated 2026-01-01.

Conditions:
Inborn genetic diseases. Identifiers: MedGen C0950123, MeSH D030342.
Aortic valve disease 2 (AOVD2). Identifiers: MedGen C3542024, MONDO:0013902, OMIM 614823.

Allele frequency attached by ClinVar (database versions not stated): gnomAD exomes below 0.00001; TOPMed below 0.00001.
gnomAD v4.1: 2 of 1,608,382 alleles (0.00012%); highest among the groups gnomAD compares: Middle Eastern, 0.016%; no homozygotes.

Submissions (2):

Labcorp Genetics (formerly Invitae), Labcorp
Classification: Uncertain significance for Aortic valve disease 2. Last evaluated: 2026-01-01. Review status: criteria provided, single submitter. Criteria: Invitae Variant Classification Sherloc (09022015). Collection method: clinical testing. Allele origin: germline.
Comment: This sequence change replaces leucine, which is neutral and non-polar, with valine, which is neutral and non-polar, at codon 368 of the SMAD6 protein (p.Leu368Val). This variant is not present in population databases (gnomAD no frequency). This variant has not been reported in the literature in individuals affected with SMAD6-related conditions. ClinVar contains an entry for this variant (Variation ID: 471744). Invitae Evidence Modeling of protein sequence and biophysical properties (such as structural, functional, and spatial information, amino acid conservation, physicochemical variation, residue mobility, and thermodynamic stability) has been performed for this missense variant. However, the output from this modeling did not meet the statistical confidence thresholds required to predict the impact of this variant on SMAD6 protein function. In summary, the available evidence is currently insufficient to determine the role of this variant in disease. Therefore, it has been classified as a Variant of Uncertain Significance.

Ambry Genetics
Classification: Uncertain significance for Inborn genetic diseases. Last evaluated: 2025-08-31. Review status: criteria provided, single submitter. Criteria: Ambry Variant Classification Scheme 2023. Collection method: clinical testing. Allele origin: germline.
Comment: The p.L368V variant (also known as c.1102C>G), located in coding exon 4 of the SMAD6 gene, results from a C to G substitution at nucleotide position 1102. The leucine at codon 368 is replaced by valine, an amino acid with highly similar properties. This amino acid position is conserved. In addition, this alteration is predicted to be deleterious by in silico analysis. Since supporting evidence is limited at this time, the clinical significance of this alteration remains unclear.